The following is an entry in ClinVar:

ClinVar aggregate classification (germline): Uncertain significance (1 of 4 stars; one submission).

Conditions:
Familial intrahepatic cholestasis. Identifiers: Orphanet 284385, MedGen CN296401, MONDO:0017290.

Submission:

Genomenon, Inc
Classification: Uncertain significance for Familial intrahepatic cholestasis. Last evaluated: 2026-04-14. Review status: criteria provided, single submitter. Criteria: Genomenon Sequence Variant Interpretation Standards - Updated. Collection method: curation. Allele origin: germline. Affected: yes.
Comment: ABCB11 p.Gly458dup (c.1371_1373dup) is an in-frame duplication variant that results in the duplication of a single amino acid, Glycine at reside 458. This variant has been observed in at least one individual with features of an ABCB11-related disorder (PMID:32808743;26382629;27050426). It is absent or not present at a significant frequency in gnomAD. In conclusion, we classify ABCB11 p.Gly458dup (c.1371_1373dup) as a variant of uncertain significance.

Literature cited by the submitters: PubMed 32808743; PubMed 26382629; PubMed 27050426.

NM_003742.4(ABCB11):c.1371_1373dup (p.Gly458_Ala459insGly)

Gene: ABCB11 (ATP binding cassette subfamily B member 11; minus strand). Cytogenetic location: 2q31.1.
Variant type: Duplication.
Coding change: c.1371_1373dup on transcript NM_003742.4 (MANE Select); coding-DNA positions 1371 to 1373, 3 bases duplicated (TGG; older notation c.1371_1373dupTGG).
Protein change: p.Gly458_Ala459insGly.
Genome position (GRCh38, 1-based): chr2:168,973,776-168,973,778, CCA duplicated on the plus strand (TGG on the coding strand, the reverse complement: ABCB11 is on the minus strand); duplicating any 3 consecutive bases within chr2:168,973,776-168,973,779 gives the same sequence; the c. name uses the placement nearest the transcript's 3' end. VCF-style (leftmost placement, unchanged base first): chr2-168973775-T-TCCA. GRCh37 (hg19) VCF-style: chr2-169830285-T-TCCA.
Identifiers: ClinVar variation 4846025 (VCV004846025.1).